The following is an entry in ClinVar:

ClinVar aggregate classification (germline): Conflicting classifications of pathogenicity. Review status: criteria provided, conflicting classifications (1 of 4 stars). 8 submissions from 8 submitters: Uncertain significance (2); Likely benign (4). 2 of the submissions do not count toward it. Last evaluated 2026-01-27.

Conditions:
Cardiovascular phenotype. Identifiers: MedGen CN230736.
Cardiomyopathy (CMYO). Also called: Cardiomyopathies. Identifiers: Orphanet 167848, MedGen C0878544, MONDO:0004994, HP:0001638. Inheritance: Various modes of inheritance.
Arrhythmogenic right ventricular dysplasia 10. Also called: ARRHYTHMOGENIC RIGHT VENTRICULAR DYSPLASIA, FAMILIAL, 10; Arrhythmogenic Right Ventricular Dysplasia/Cardiomyopathy10; Arrhythmogenic right ventricular dysplasia/cardiomyopathy, type 10. Identifiers: MedGen C1857777, MONDO:0012434, OMIM 610193.

Allele frequency attached by ClinVar (database versions not stated): TOPMed 0.00004; gnomAD 0.00006; gnomAD exomes 0.00006; 1000 Genomes Project 30x 0.00016; 1000 Genomes Project 0.00020.
gnomAD v4.1: 90 of 1,613,214 alleles (0.0056%); highest among the groups gnomAD compares: East Asian, 0.018%; no homozygotes.

Submissions (8):

Labcorp Genetics (formerly Invitae), Labcorp
Classification: Uncertain significance for Arrhythmogenic right ventricular dysplasia 10. Last evaluated: 2026-01-27. Review status: criteria provided, single submitter. Criteria: Invitae Variant Classification Sherloc (09022015). Collection method: clinical testing. Allele origin: germline.
Comment: This sequence change replaces arginine, which is basic and polar, with histidine, which is basic and polar, at codon 548 of the DSG2 protein (p.Arg548His). This variant is present in population databases (rs551034751, gnomAD 0.02%). This variant has not been reported in the literature in individuals affected with DSG2-related conditions. ClinVar contains an entry for this variant (Variation ID: 188453). Invitae Evidence Modeling of protein sequence and biophysical properties (such as structural, functional, and spatial information, amino acid conservation, physicochemical variation, residue mobility, and thermodynamic stability) indicates that this missense variant is not expected to disrupt DSG2 protein function with a negative predictive value of 95%. In summary, the available evidence is currently insufficient to determine the role of this variant in disease. Therefore, it has been classified as a Variant of Uncertain Significance.

Color Diagnostics, LLC DBA Color Health
Classification: Likely benign for Cardiomyopathy. Last evaluated: 2024-08-29. Review status: criteria provided, single submitter. Criteria: ACMG Guidelines, 2015. Collection method: clinical testing. Allele origin: germline.

Blueprint Genetics
Classification: Likely benign. Last evaluated: 2023-10-27. Review status: criteria provided, single submitter. Criteria: ACMG Guidelines, 2015. Collection method: clinical testing. Allele origin: germline.

GeneDx
Classification: Uncertain significance. Last evaluated: 2023-02-21. Review status: criteria provided, single submitter. Criteria: GeneDx Variant Classification Process June 2021. Collection method: clinical testing. Allele origin: germline. Affected: yes.
Comment: In silico analysis supports that this missense variant does not alter protein structure/function; Has not been previously published as pathogenic or benign to our knowledge

Women's Health and Genetics/Laboratory Corporation of America, LabCorp
Classification: Likely benign. Last evaluated: 2018-10-08. Review status: criteria provided, single submitter. Criteria: LabCorp Variant Classification Summary - May 2015. Collection method: clinical testing. Allele origin: germline.
Comment: Variant summary: DSG2 c.1643G>A (p.Arg548His) results in a non-conservative amino acid change in the encoded protein sequence. Four of five in-silico tools predict a benign effect of the variant on protein function. The variant allele was found at a frequency of 6.2e-05 in 275406 control chromosomes. The observed variant frequency is approximately 2.5-fold over the estimated maximal expected allele frequency for a pathogenic variant in DSG2 causing Cardiomyopathy phenotype (2.5e-05), suggesting that the variant is benign. To our knowledge, no occurrence of c.1643G>A in individuals affected with Cardiomyopathy and no experimental evidence demonstrating its impact on protein function have been reported. Three clinical diagnostic laboratories have submitted clinical-significance assessments for this variant to ClinVar after 2014 without evidence for independent evaluation (2x VUS, 1x likely benign). Based on the evidence outlined above, the variant was classified as likely benign.

Ambry Genetics
Classification: Likely benign for Cardiovascular phenotype. Last evaluated: 2017-05-26. Review status: criteria provided, single submitter. Criteria: Ambry Variant Classification Scheme 2023. Collection method: clinical testing. Allele origin: germline.

Genome Diagnostics Laboratory, University Medical Center Utrecht
Classification: Likely benign. Review status: no assertion criteria provided. Collection method: clinical testing. Allele origin: germline. Affected: yes. Study: VKGL Data-share Consensus. Not counted in ClinVar's aggregate classification.

Joint Genome Diagnostic Labs from Nijmegen and Maastricht, Radboudumc and MUMC+
Classification: Likely benign. Review status: no assertion criteria provided. Collection method: clinical testing. Allele origin: germline. Affected: yes. Study: VKGL Data-share Consensus. Not counted in ClinVar's aggregate classification.

NM_001943.5(DSG2):c.1643G>A (p.Arg548His)

Gene: DSG2 (desmoglein 2; plus strand). Cytogenetic location: 18q12.1.
Variant type: single nucleotide variant.
Coding change: c.1643G>A on transcript NM_001943.5 (MANE Select); coding-DNA position 1643, G replaced by A.
Protein change: p.Arg548His; replaces arginine 548 with histidine.
Molecular consequence: missense variant.
Genome position (GRCh38, 1-based): chr18:31,536,421, G>A. VCF-style: chr18-31536421-G-A. GRCh37 (hg19) VCF-style: chr18-29116384-G-A.
Other names: p.R548H:CGC>CAC; short protein forms R548H.
Identifiers: ClinVar variation 188453 (VCV000188453.27), dbSNP rs551034751, ClinGen allele CA021510.